The following is an entry in ClinVar:

ClinVar aggregate classification (germline): Likely benign (0 of 4 stars; one submission).

Conditions:
PLXNA1-related disorder. Also called: PLXNA1-related condition.

gnomAD v4.1: 34 of 1,613,870 alleles (0.0021%); highest among the groups gnomAD compares: South Asian, 0.0066%; no homozygotes.

Submission:

PreventionGenetics, part of Exact Sciences
Classification: Likely benign for PLXNA1-related condition. Last evaluated: 2024-04-09. Review status: no assertion criteria provided. Collection method: clinical testing. Allele origin: germline.
Comment: This variant is classified as likely benign based on ACMG/AMP sequence variant interpretation guidelines (Richards et al. 2015 PMID: 25741868, with internal and published modifications).

NM_032242.4(PLXNA1):c.2373C>T (p.Asn791=)

Gene: PLXNA1 (plexin A1; plus strand). Cytogenetic location: 3q21.3.
Variant type: single nucleotide variant.
Coding change: c.2373C>T on transcript NM_032242.4 (MANE Select); coding-DNA position 2373, C replaced by T.
Protein change: p.Asn791=; no amino-acid change (asparagine 791 retained).
Molecular consequence: synonymous variant.
Genome position (GRCh38, 1-based): chr3:127,014,079, C>T. VCF-style: chr3-127014079-C-T. GRCh37 (hg19) VCF-style: chr3-126732922-C-T.
Identifiers: ClinVar variation 3358677 (VCV003358677.1).